The following is an entry in ClinVar:

ClinVar aggregate classification (germline): Uncertain significance (1 of 4 stars; one submission).

Conditions:
Joubert syndrome. Also called: CEREBELLOPARENCHYMAL DISORDER IV; JOUBERT-BOLTSHAUSER SYNDROME; Familial aplasia of the vermis. Identifiers: Orphanet 475, MedGen C5979921, MONDO:0018772.

gnomAD v4.1: 2 of 1,604,680 alleles (0.00012%); highest among the groups gnomAD compares: Non-Finnish European, 0.00017%; no homozygotes.

Submission:

Labcorp Genetics (formerly Invitae), Labcorp
Classification: Uncertain significance for Joubert syndrome. Last evaluated: 2023-11-16. Review status: criteria provided, single submitter. Criteria: Invitae Variant Classification Sherloc (09022015). Collection method: clinical testing. Allele origin: germline.
Comment: This sequence change replaces glutamic acid, which is acidic and polar, with aspartic acid, which is acidic and polar, at codon 313 of the INPP5E protein (p.Glu313Asp). This variant is not present in population databases (gnomAD no frequency). This variant has not been reported in the literature in individuals affected with INPP5E-related conditions. An algorithm developed to predict the effect of missense changes on protein structure and function (PolyPhen-2) suggests that this variant is likely to be tolerated. In summary, the available evidence is currently insufficient to determine the role of this variant in disease. Therefore, it has been classified as a Variant of Uncertain Significance.

NM_019892.6(INPP5E):c.939G>T (p.Glu313Asp)

Gene: INPP5E (inositol polyphosphate-5-phosphatase E; minus strand). Cytogenetic location: 9q34.3.
Variant type: single nucleotide variant.
Coding change: c.939G>T on transcript NM_019892.6 (MANE Select); coding-DNA position 939, G replaced by T.
Protein change: p.Glu313Asp; replaces glutamic acid 313 with aspartic acid.
Molecular consequence: missense variant.
Genome position (GRCh38, 1-based): chr9:136,434,132, C>A on the plus strand (G>T on the coding strand, the complement: INPP5E is on the minus strand). VCF-style: chr9-136434132-C-A. GRCh37 (hg19) VCF-style: chr9-139328584-C-A.
Other names: c.939G>T, p.Glu313Asp (NM_001318502.2); short protein forms E313D.
Identifiers: ClinVar variation 2762853 (VCV002762853.3), dbSNP rs1388057801, ClinGen allele CA375565209.
Genomic context (GRCh38, chr9:136,434,132, plus strand): 5'-CAGGTCCTGGGCATAGTCGGCCTCGGCTGGGAGCAGGAACTCGTCCAGGCTGGGCGGGAG[C>A]TCCTGGAAGGAGGGAGCATGTGGTGGGCCGGCTCCTCCCGAAACCTGCAGGCGCCTGTGG-3'
Protein context (NP_063945.2, residues 303-323): VATWNMQGQK[Glu313Asp]LPPSLDEFLL